The following is an entry in ClinVar:

ClinVar aggregate classification (germline): Pathogenic (1 of 4 stars; one submission).

Submission:

GeneDx
Classification: Pathogenic. Last evaluated: 2014-02-14. Review status: criteria provided, single submitter. Criteria: GeneDx Variant Classification (06012015). Collection method: clinical testing. Allele origin: germline. Affected: yes.
Comment: c.71234_71235delGAinsAGGG: p.Gly23745GlufsX31 (G23745EfsX31) in exon 276 of the TTN gene (NM_001256850.1). The normal sequence with the bases that are deleted in braces and inserted in brackets is: GCTG{GA}[AGGG]CTTA.Although the c.71234_71235delGAinsAGGG mutation in the TTN gene has not been reported to our knowledge, this mutation causes a shift in reading frame starting at codon Glycine 23745, changing it to an Glutamic acid, and creating a premature stop codon at position 31 of the new reading frame, denoted p.Gly23745GlufsX31. This mutation is expected to result in either an abnormal, truncated protein product or loss of protein from this allele through nonsense-mediated mRNA decay. Other truncating TTN variants have been reported in approximately 3% of control alleles (Herman D et al., 2012). However, c.71234_71235delGAinsAGGG is located in the A-band region of titin, where the majority of truncating mutations associated with DCM have been reported (Herman D et al., 2012). In summary, c.71234_71235delGAinsAGGG in the TTN gene is interpreted as a disease-causing mutation. The variant is found in DCM-CRDM panel(s).

NM_001267550.2(TTN):c.76157_76158delinsAGGG (p.Gly25386fs)

Genes: TTN (titin; minus strand), TTN-AS1 (TTN antisense RNA 1; plus strand). Cytogenetic location: 2q31.2.
Variant type: Indel.
Coding change: c.76157_76158delinsAGGG on transcript NM_001267550.2 (MANE Select); coding-DNA positions 76157 to 76158, GA replaced by AGGG.
Protein change: p.Gly25386fs; shifts the reading frame from glycine 25386.
Molecular consequence: frameshift variant.
Genome position (GRCh38, 1-based): chr2:178,569,974-178,569,975, TC replaced by CCCT on the plus strand (GA replaced by AGGG on the coding strand, the reverse complement: TTN is on the minus strand). VCF-style: chr2-178569974-TC-CCCT. GRCh37 (hg19) VCF-style: chr2-179434701-TC-CCCT.
Other names: c.48962_48963delinsAGGG, p.Gly16321fs (NM_003319.4); c.68453_68454delinsAGGG, p.Gly22818fs (NM_133378.4); c.49337_49338delinsAGGG, p.Gly16446fs (NM_133432.3); c.49538_49539delinsAGGG, p.Gly16513fs (NM_133437.4); short protein forms G16321fs, G22818fs, G16513fs, G16446fs, G25386fs.
Identifiers: ClinVar variation 202468 (VCV000202468.1), dbSNP rs794729341, ClinGen allele CA309432.